The following is an entry in ClinVar:

ClinVar aggregate classification (germline): Uncertain significance. Review status: criteria provided, multiple submitters, no conflicts (2 of 4 stars). 2 submissions from 2 submitters: Uncertain significance (2). Last evaluated 2026-08-25.

Conditions:
Hypertrophic cardiomyopathy 14. Identifiers: MedGen C2750467, MONDO:0013197, OMIM 613251.
Cardiovascular phenotype. Identifiers: MedGen CN230736.

Submissions (2):

Ambry Genetics
Classification: Uncertain significance for Cardiovascular phenotype. Last evaluated: 2026-08-25. Review status: criteria provided, single submitter. Criteria: Ambry Variant Classification Scheme 2023. Collection method: clinical testing. Allele origin: germline.
Comment: The c.1272delC variant, located in coding exon 11 of the MYH6 gene, results from a deletion of one nucleotide at nucleotide position 1272, causing a translational frameshift with a predicted alternate stop codon (p.I425Sfs*17). This variant is expected to result in protein truncation or nonsense-mediated mRNA decay. However, loss of function has not been established as a mechanism of disease. Based on the available evidence, the clinical significance of this variant remains unclear.

Labcorp Genetics (formerly Invitae), Labcorp
Classification: Uncertain significance for Hypertrophic cardiomyopathy 14. Last evaluated: 2021-02-25. Review status: criteria provided, single submitter. Criteria: Invitae Variant Classification Sherloc (09022015). Collection method: clinical testing. Allele origin: germline.
Comment: This sequence change creates a premature translational stop signal (p.Ile425Serfs*17) in the MYH6 gene. It is expected to result in an absent or disrupted protein product. However, the current clinical and genetic evidence is not sufficient to establish whether loss-of-function variants in MYH6 cause disease. This variant is not present in population databases (ExAC no frequency). This variant has not been reported in the literature in individuals with MYH6-related conditions. In summary, the available evidence is currently insufficient to determine the role of this variant in disease. Therefore, it has been classified as a Variant of Uncertain Significance.

NM_002471.4(MYH6):c.1272del (p.Ile425fs)

Gene: MYH6 (myosin heavy chain 6; minus strand). Cytogenetic location: 14q11.2.
Variant type: Deletion.
Coding change: c.1272del on transcript NM_002471.4 (MANE Select); coding-DNA position 1272, one base deleted (C; older notation c.1272delC).
Protein change: p.Ile425fs; shifts the reading frame from isoleucine 425.
Molecular consequence: frameshift variant.
Genome position (GRCh38, 1-based): chr14:23,400,847, G deleted on the plus strand (C on the coding strand, the reverse complement: MYH6 is on the minus strand); the first of 2 consecutive G bases (chr14:23,400,847-23,400,848); deleting either gives the same sequence. VCF-style (leftmost placement, unchanged base first): chr14-23400846-TG-T. GRCh37 (hg19) VCF-style: chr14-23870055-TG-T.
Other names: c.1272delC (NM_002471.3); short protein forms I425fs.
Identifiers: ClinVar variation 1466930 (VCV001466930.7), dbSNP rs1467416407, ClinGen allele CA704278357.